The following is an entry in ClinVar:

NM_019842.4(KCNQ5):c.559C>T (p.Arg187Ter)

Gene: KCNQ5 (potassium voltage-gated channel subfamily Q member 5; plus strand). Cytogenetic location: 6q13.
Variant type: single nucleotide variant.
Coding change: c.559C>T on transcript NM_019842.4 (MANE Select); coding-DNA position 559, C replaced by T.
Protein change: p.Arg187Ter; replaces arginine 187 with a stop codon.
Molecular consequence: nonsense.
Genome position (GRCh38, 1-based): chr6:73,042,005, C>T. VCF-style: chr6-73042005-C-T. GRCh37 (hg19) VCF-style: chr6-73751728-C-T.
Other names: c.559C>T, p.Arg187Ter (NM_001160130.2, NM_001160132.2, NM_001160133.2 and 1 more transcripts); short protein forms R187*.
Identifiers: ClinVar variation 2121310 (VCV002121310.4), dbSNP rs2533481925, ClinGen allele CA364825211.

ClinVar aggregate classification (germline): Pathogenic (1 of 4 stars; one submission).

Submission:

Labcorp Genetics (formerly Invitae), Labcorp
Classification: Pathogenic. Last evaluated: 2024-04-17. Review status: criteria provided, single submitter. Criteria: Invitae Variant Classification Sherloc (09022015). Collection method: clinical testing. Allele origin: germline.
Comment: This sequence change creates a premature translational stop signal (p.Arg187*) in the KCNQ5 gene. It is expected to result in an absent or disrupted protein product. Loss-of-function variants in KCNQ5 are known to be pathogenic (PMID: 28669405, 35583973, 36088682). This variant is not present in population databases (gnomAD no frequency). This variant has not been reported in the literature in individuals affected with KCNQ5-related conditions. ClinVar contains an entry for this variant (Variation ID: 2121310). For these reasons, this variant has been classified as Pathogenic.

Literature cited by the submitters: PubMed 28669405; PubMed 35583973; PubMed 36088682.